The following is an entry in ClinVar:

ClinVar aggregate classification (germline): Uncertain significance (1 of 4 stars; one submission).

Allele frequency attached by ClinVar (database versions not stated): gnomAD exomes 0.00006.
gnomAD v4.1: 33 of 1,431,766 alleles (0.0023%); highest among the groups gnomAD compares: Middle Eastern, 0.024%; 1 homozygote.

Submission:

Labcorp Genetics (formerly Invitae), Labcorp
Classification: Uncertain significance. Last evaluated: 2025-03-31. Review status: criteria provided, single submitter. Criteria: Invitae Variant Classification Sherloc (09022015). Collection method: clinical testing. Allele origin: germline.
Comment: This sequence change replaces proline, which is neutral and non-polar, with arginine, which is basic and polar, at codon 949 of the CRB2 protein (p.Pro949Arg). This variant is present in population databases (no rsID available, gnomAD 0.01%). This variant has not been reported in the literature in individuals affected with CRB2-related conditions. ClinVar contains an entry for this variant (Variation ID: 1035411). Invitae Evidence Modeling of protein sequence and biophysical properties (such as structural, functional, and spatial information, amino acid conservation, physicochemical variation, residue mobility, and thermodynamic stability) indicates that this missense variant is not expected to disrupt CRB2 protein function with a negative predictive value of 80%. In summary, the available evidence is currently insufficient to determine the role of this variant in disease. Therefore, it has been classified as a Variant of Uncertain Significance.

NM_173689.7(CRB2):c.2846C>G (p.Pro949Arg)

Gene: CRB2 (crumbs cell polarity complex component 2; plus strand). Cytogenetic location: 9q33.3.
Variant type: single nucleotide variant.
Coding change: c.2846C>G on transcript NM_173689.7 (MANE Select); coding-DNA position 2846, C replaced by G.
Protein change: p.Pro949Arg; replaces proline 949 with arginine.
Molecular consequence: missense variant. On other transcripts: non-coding transcript variant (1).
Genome position (GRCh38, 1-based): chr9:123,373,377, C>G. VCF-style: chr9-123373377-C-G. GRCh37 (hg19) VCF-style: chr9-126135656-C-G.
Other names: short protein forms P949R.
Identifiers: ClinVar variation 1035411 (VCV001035411.8), dbSNP rs1190791808, ClinGen allele CA374867542.